The following is an entry in ClinVar:

NM_139076.3(ABRAXAS1):c.778G>A (p.Ala260Thr)

Gene: ABRAXAS1 (abraxas 1, BRCA1 A complex subunit; minus strand). Cytogenetic location: 4q21.23.
Variant type: single nucleotide variant.
Coding change: c.778G>A on transcript NM_139076.3 (MANE Select); coding-DNA position 778, G replaced by A.
Protein change: p.Ala260Thr; replaces alanine 260 with threonine.
Molecular consequence: missense variant.
Genome position (GRCh38, 1-based): chr4:83,463,512, C>T on the plus strand (G>A on the coding strand, the complement: ABRAXAS1 is on the minus strand). VCF-style: chr4-83463512-C-T. GRCh37 (hg19) VCF-style: chr4-84384665-C-T.
Other names: c.451G>A, p.Ala151Thr (NM_001345962.2); short protein forms A151T, A260T.
Identifiers: ClinVar variation 1799928 (VCV001799928.5), dbSNP rs200727513, ClinGen allele CA100679023.

ClinVar aggregate classification (germline): Uncertain significance. Review status: criteria provided, multiple submitters, no conflicts (2 of 4 stars). 2 submissions from 2 submitters: Uncertain significance (2). Last evaluated 2025-11-10.

Allele frequency attached by ClinVar (database versions not stated): gnomAD exomes below 0.00001; TOPMed 0.00001.
gnomAD v4.1: 2 of 1,604,602 alleles (0.00012%); highest among the groups gnomAD compares: Non-Finnish European, 0.00017%; no homozygotes.

Submissions (2):

Ambry Genetics
Classification: Uncertain significance. Last evaluated: 2025-11-10. Review status: criteria provided, single submitter. Criteria: Ambry Variant Classification Scheme 2023. Collection method: clinical testing. Allele origin: germline.
Comment: The p.A260T variant (also known as c.778G>A), located in coding exon 8 of the FAM175A gene, results from a G to A substitution at nucleotide position 778. The alanine at codon 260 is replaced by threonine, an amino acid with similar properties. This amino acid position is conserved. In addition, this alteration is predicted to be tolerated by in silico analysis. Since supporting evidence is limited at this time, the clinical significance of this alteration remains unclear.

Labcorp Genetics (formerly Invitae), Labcorp
Classification: Uncertain significance. Last evaluated: 2024-03-06. Review status: criteria provided, single submitter. Criteria: Invitae Variant Classification Sherloc (09022015). Collection method: clinical testing. Allele origin: germline.
Comment: This sequence change replaces alanine, which is neutral and non-polar, with threonine, which is neutral and polar, at codon 260 of the ABRAXAS1 protein (p.Ala260Thr). The frequency data for this variant in the population databases is considered unreliable, as metrics indicate poor data quality at this position in the gnomAD database. This variant has not been reported in the literature in individuals affected with ABRAXAS1-related conditions. ClinVar contains an entry for this variant (Variation ID: 1799928). Advanced modeling of protein sequence and biophysical properties (such as structural, functional, and spatial information, amino acid conservation, physicochemical variation, residue mobility, and thermodynamic stability) performed at Invitae indicates that this missense variant is not expected to disrupt ABRAXAS1 protein function with a negative predictive value of 80%. In summary, the available evidence is currently insufficient to determine the role of this variant in disease. Therefore, it has been classified as a Variant of Uncertain Significance.